The following is an entry in ClinVar:

ClinVar aggregate classification (germline): Pathogenic (1 of 4 stars; one submission).

Conditions:
Muscular dystrophy-dystroglycanopathy type B6 (MDDGB6). Also called: MUSCULAR DYSTROPHY-DYSTROGLYCANOPATHY (CONGENITAL WITH IMPAIRED INTELLECTUAL DEVELOPMENT), TYPE B, 6; MUSCULAR DYSTROPHY, CONGENITAL, LARGE-RELATED; MUSCULAR DYSTROPHY, CONGENITAL, TYPE 1D. Identifiers: MedGen C1837229, MONDO:0012138, OMIM 608840.

Submission:

Labcorp Genetics (formerly Invitae), Labcorp
Classification: Pathogenic for Muscular dystrophy-dystroglycanopathy type B6. Last evaluated: 2024-01-08. Review status: criteria provided, single submitter. Criteria: Invitae Variant Classification Sherloc (09022015). Collection method: clinical testing. Allele origin: germline.
Comment: This variant is a gross deletion of the genomic region encompassing exon(s) 8-10 of the LARGE1 gene. This deletion is out-of-frame, and is expected to create a premature termination codon and result in an absent or disrupted protein product. Loss-of-function variants in LARGE1 are known to be pathogenic (PMID: 12966029, 17878207). This variant has not been reported in the literature in individuals affected with LARGE1-related conditions. For these reasons, this variant has been classified as Pathogenic.

Literature cited by the submitters: PubMed 12966029; PubMed 17878207.

NC_000022.10:g.(?_33777885)_(33828271_?)del

Gene: LARGE1 (LARGE xylosyl- and glucuronyltransferase 1; minus strand). Cytogenetic location: 22q12.3.
Variant type: Deletion.
Identifiers: ClinVar variation 2425221 (VCV002425221.6).